The following is an entry in ClinVar:

ClinVar aggregate classification (germline): Uncertain significance (1 of 4 stars; one submission).

Conditions:
Posterior polymorphous corneal dystrophy 2. Identifiers: Orphanet 98973, MedGen C1852795, MONDO:0012199, OMIM 609140.
Corneal dystrophy, Fuchs endothelial, 1. Identifiers: Orphanet 98974, MedGen C1850959, MONDO:0007637, OMIM 136800.

gnomAD v4.1: 12 of 1,612,242 alleles (0.00074%); highest among the groups gnomAD compares: Admixed American, 0.0033%; no homozygotes.

Submission:

Juno Genomics, Hangzhou Juno Genomics, Inc
Classification: Uncertain significance for Corneal dystrophy, Fuchs endothelial, 1; Posterior polymorphous corneal dystrophy 2. Review status: criteria provided, single submitter. Criteria: ACMG Guidelines, 2015. Collection method: clinical testing. Allele origin: germline.
Comment: Absent from controls (or at extremely low frequency if recessive) in Genome Aggregation Database.;Multiple lines of computational evidence support a deleterious effect on the gene or gene product.

NM_005202.4(COL8A2):c.1786C>T (p.Arg596Trp)

Gene: COL8A2 (collagen type VIII alpha 2 chain; minus strand). Cytogenetic location: 1p34.3.
Variant type: single nucleotide variant.
Coding change: c.1786C>T on transcript NM_005202.4 (MANE Select); coding-DNA position 1786, C replaced by T.
Protein change: p.Arg596Trp; replaces arginine 596 with tryptophan.
Molecular consequence: missense variant.
Genome position (GRCh38, 1-based): chr1:36,097,895, G>A on the plus strand (C>T on the coding strand, the complement: COL8A2 is on the minus strand). VCF-style: chr1-36097895-G-A. GRCh37 (hg19) VCF-style: chr1-36563496-G-A.
Other names: c.1591C>T, p.Arg531Trp (NM_001294347.2); short protein forms R531W, R596W.
Identifiers: ClinVar variation 5006493 (VCV005006493.2).
Genomic context (GRCh38, chr1:36,097,895, plus strand): 5'-CAGGGCAGGTGAAGATGCCAGTGGCTGGGTTGTAGCCGCTGTGGCCATTGTAGAGAGTCC[G>A]GTCAAATTTCACGGGCATGCCCGAGGCGGGGAAGGGCGAGGTGAGCACCGCAGTGAAGGC-3'
Protein context (NP_005193.1, residues 586-606): PASGMPVKFD[Arg596Trp]TLYNGHSGYN